The following is an entry in ClinVar:

NM_005732.4(RAD50):c.477A>G (p.Gln159=)

Gene: RAD50 (RAD50 double strand break repair protein; plus strand). Cytogenetic location: 5q31.1.
Variant type: single nucleotide variant.
Coding change: c.477A>G on transcript NM_005732.4 (MANE Select); coding-DNA position 477, A replaced by G.
Protein change: p.Gln159=; no amino-acid change (glutamine 159 retained).
Molecular consequence: synonymous variant.
Genome position (GRCh38, 1-based): chr5:132,579,428, A>G. VCF-style: chr5-132579428-A-G. GRCh37 (hg19) VCF-style: chr5-131915120-A-G.
Identifiers: ClinVar variation 656591 (VCV000656591.14), dbSNP rs876660281, ClinGen allele CA446355980.
Genomic context (GRCh38, chr5:132,579,428, plus strand): 5'-AATGATCAGTTCTCTTGGGGTTTCCAAGGCTGTGCTAAATAATGTCATTTTCTGTCATCA[A>G]GAAGATTCTAATTGGCCTTTAAGTGAAGGAAAGGCTTTGAAGCAAAAGTTTGATGAGATT-3'
Protein context (NP_005723.2, residues 149-169): AVLNNVIFCH[Gln159=]EDSNWPLSEG

ClinVar aggregate classification (germline): Conflicting classifications of pathogenicity. Review status: criteria provided, conflicting classifications (1 of 4 stars). 2 submissions from 2 submitters: Uncertain significance (1); Likely benign (1). Last evaluated 2022-07-25.

Conditions:
Hereditary cancer-predisposing syndrome. Also called: Hereditary neoplastic syndrome; Tumor predisposition; Neoplastic Syndromes, Hereditary; Hereditary Cancer Syndrome. Identifiers: Orphanet 140162, MedGen C0027672, MeSH D009386, MONDO:0015356.

Allele frequency attached by ClinVar (database versions not stated): gnomAD exomes below 0.00001.
gnomAD v4.1: 2 of 1,613,964 alleles (0.00012%); highest among the groups gnomAD compares: South Asian, 0.0011%; no homozygotes.

Submissions (2):

Labcorp Genetics (formerly Invitae), Labcorp
Classification: Uncertain significance for Hereditary cancer-predisposing syndrome. Last evaluated: 2022-07-25. Review status: criteria provided, single submitter. Criteria: Invitae Variant Classification Sherloc (09022015). Collection method: clinical testing. Allele origin: germline.
Comment: This variant is not present in population databases (gnomAD no frequency). In summary, the available evidence is currently insufficient to determine the role of this variant in disease. Therefore, it has been classified as a Variant of Uncertain Significance. Algorithms developed to predict the effect of sequence changes on RNA splicing suggest that this variant may disrupt the consensus splice site. ClinVar contains an entry for this variant (Variation ID: 656591). This variant has not been reported in the literature in individuals affected with RAD50-related conditions. This sequence change affects codon 159 of the RAD50 mRNA. It is a 'silent' change, meaning that it does not change the encoded amino acid sequence of the RAD50 protein.

Ambry Genetics
Classification: Likely benign for Hereditary cancer-predisposing syndrome. Last evaluated: 2018-11-11. Review status: criteria provided, single submitter. Criteria: Ambry Variant Classification Scheme 2023. Collection method: clinical testing. Allele origin: germline.